The following is an entry in ClinVar:

ClinVar aggregate classification (germline): Pathogenic (1 of 4 stars; one submission).

Conditions:
Cerebral cavernous malformation (CCM). Also called: CAVERNOUS ANGIOMA, FAMILIAL; CAVERNOUS ANGIOMATOUS MALFORMATIONS; CEREBRAL CAPILLARY MALFORMATIONS; Cerebral cavernous malformations; Cavernous Hemangioma of Brain; Cerebral cavernous hemangioma (type). Identifiers: Orphanet 221061, MedGen C2919945, MONDO:0000820, OMIM 116860, HP:0033522.

Submission:

Labcorp Genetics (formerly Invitae), Labcorp
Classification: Pathogenic for Cerebral cavernous malformation. Last evaluated: 2017-07-13. Review status: criteria provided, single submitter. Criteria: Invitae Variant Classification Sherloc (09022015). Collection method: clinical testing. Allele origin: germline.
Comment: This variant has not been reported in the literature in individuals with KRIT1-related disease. For these reasons, this variant has been classified as Pathogenic. Loss-of-function variants in KRIT1 are known to be pathogenic (PMID: 10508515, 11222804, 12404106). This variant is not present in population databases (ExAC no frequency). This sequence change creates a premature translational stop signal (p.Leu516Trpfs*11) in the KRIT1 gene. It is expected to result in an absent or disrupted protein product.

Literature cited by the submitters: PubMed 10508515; PubMed 11222804; PubMed 12404106.

NM_194454.3(KRIT1):c.1545del (p.Leu516fs)

Gene: KRIT1 (KRIT1 ankyrin repeat containing; minus strand). Cytogenetic location: 7q21.2.
Variant type: Deletion.
Coding change: c.1545del on transcript NM_194454.3 (MANE Select); coding-DNA position 1545, one base deleted (C; older notation c.1545delC).
Protein change: p.Leu516fs; shifts the reading frame from leucine 516.
Molecular consequence: frameshift variant.
Genome position (GRCh38, 1-based): chr7:92,221,920, G deleted on the plus strand (C on the coding strand, the reverse complement: KRIT1 is on the minus strand); the first of 3 consecutive G bases (chr7:92,221,920-92,221,922); deleting any one gives the same sequence. VCF-style (leftmost placement, unchanged base first): chr7-92221919-AG-A. GRCh37 (hg19) VCF-style: chr7-91851233-AG-A.
Other names: c.1545del, p.Leu516fs (NM_001350675.1, NM_001350676.1, NM_001350677.1 and 26 more transcripts); c.1545delC (NM_194456.1); c.1401del, p.Leu468fs (NM_001013406.2, NM_001350669.1, NM_001350670.1); c.831del, p.Leu278fs (NM_001350671.1); short protein forms L468fs, L516fs, L278fs.
Identifiers: ClinVar variation 468210 (VCV000468210.7), dbSNP rs1554512658, ClinGen allele CA658657685.